The following is an entry in ClinVar:

ClinVar aggregate classification (germline): Uncertain significance (1 of 4 stars; one submission).

Submission:

Labcorp Genetics (formerly Invitae), Labcorp
Classification: Uncertain significance. Last evaluated: 2020-07-30. Review status: criteria provided, single submitter. Criteria: Invitae Variant Classification Sherloc (09022015). Collection method: clinical testing. Allele origin: germline.
Comment: Algorithms developed to predict the effect of missense changes on protein structure and function (SIFT, PolyPhen-2, Align-GVGD) all suggest that this variant is likely to be tolerated, but these predictions have not been confirmed by published functional studies and their clinical significance is uncertain. In summary, the available evidence is currently insufficient to determine the role of this variant in disease. Therefore, it has been classified as a Variant of Uncertain Significance. This variant has not been reported in the literature in individuals with SEMA4A-related conditions. This variant is not present in population databases (ExAC no frequency). This sequence change replaces valine with isoleucine at codon 136 of the SEMA4A protein (p.Val136Ile). The valine residue is weakly conserved and there is a small physicochemical difference between valine and isoleucine.

NM_022367.4(SEMA4A):c.406G>A (p.Val136Ile)

Gene: SEMA4A (semaphorin 4A; plus strand). Cytogenetic location: 1q22.
Variant type: single nucleotide variant.
Coding change: c.406G>A on transcript NM_022367.4 (MANE Select); coding-DNA position 406, G replaced by A.
Protein change: p.Val136Ile; replaces valine 136 with isoleucine.
Molecular consequence: missense variant. On other transcripts: 5 prime UTR variant (2), intron variant (1).
Genome position (GRCh38, 1-based): chr1:156,158,430, G>A. VCF-style: chr1-156158430-G-A. GRCh37 (hg19) VCF-style: chr1-156128221-G-A.
Other names: c.406G>A, p.Val136Ile (NM_001193300.2, NM_001193301.2, NM_001370567.1); c.109G>A, p.Val37Ile (NM_001370568.1); c.-119G>A (NM_001370569.1, NM_001370571.1); c.67-289G>A (NM_001193302.2); short protein forms V136I, V37I.
Identifiers: ClinVar variation 1025889 (VCV001025889.8), dbSNP rs1653252243, ClinGen allele CA342835858.
Genomic context (GRCh38, chr1:156,158,430, plus strand): 5'-ATTCTCTGTCTCCCTCAGACACAGTGTTTCAACTTCATCCGTGTCCTGGTTTCTTACAAT[G>A]TCACCCATCTCTACACCTGCGGCACCTTCGCCTTCAGCCCTGCTTGTACCTTCATTGTGA-3'
Protein context (NP_071762.2, residues 126-146): NFIRVLVSYN[Val136Ile]THLYTCGTFA